The following is an entry in ClinVar:

NM_024490.4(ATP10A):c.1596G>A (p.Thr532=)

Gene: ATP10A (ATPase phospholipid transporting 10A (putative); minus strand). Cytogenetic location: 15q12.
Variant type: single nucleotide variant.
Coding change: c.1596G>A on transcript NM_024490.4 (MANE Select); coding-DNA position 1596, G replaced by A.
Protein change: p.Thr532=; no amino-acid change (threonine 532 retained).
Molecular consequence: synonymous variant.
Genome position (GRCh38, 1-based): chr15:25,716,910, C>T on the plus strand (G>A on the coding strand, the complement: ATP10A is on the minus strand). VCF-style: chr15-25716910-C-T. GRCh37 (hg19) VCF-style: chr15-25962057-C-T.
Identifiers: ClinVar variation 711612 (VCV000711612.6), dbSNP rs115618637, ClinGen allele CA7436742.
Genomic context (GRCh38, chr15:25,716,910, plus strand): 5'-CCTCGCCACGGCTAGGCTCTTGTCACACTCACTCACCTTCTCCAGCAGCTTTGGGTCGGG[C>T]GTGATATCCTTCTCCTGGGAGAAAGGGAGGCTGGCAGTGAGTCCCACCCAGTAGCCTGCC-3'
Protein context (NP_077816.1, residues 522-542): AFSSPMEKDI[Thr532=]PDPKLLEKVS

ClinVar aggregate classification (germline): Benign. Review status: criteria provided, multiple submitters, no conflicts (2 of 4 stars). 3 submissions from 3 submitters: Benign (2). 1 of the submissions does not count toward it. Last evaluated 2018-07-06.

Conditions:
ATP10A-related disorder. Also called: ATP10A-related condition.

Allele frequency attached by ClinVar (database versions not stated): 1000 Genomes Project 0.00220; 1000 Genomes Project 30x 0.00234; ESP Exome Variant Server 0.00277; TOPMed 0.00294; gnomAD 0.00295.
gnomAD v4.1: 801 of 1,577,756 alleles (0.051%); highest among the groups gnomAD compares: African/African-American, 1%; 3 homozygotes.

Submissions (3):

Labcorp Genetics (formerly Invitae), Labcorp
Classification: Benign. Last evaluated: 2018-07-06. Review status: criteria provided, single submitter. Criteria: Invitae Variant Classification Sherloc (09022015). Collection method: clinical testing. Allele origin: germline.

Breakthrough Genomics
Classification: Benign. Review status: criteria provided, single submitter. Criteria: ACMG Guidelines, 2015. Collection method: not provided. Allele origin: germline. Inheritance: Unknown mechanism. Affected: yes.

PreventionGenetics, part of Exact Sciences
Classification: Likely benign for ATP10A-related condition. Last evaluated: 2019-03-12. Review status: no assertion criteria provided. Collection method: clinical testing. Allele origin: germline. Not counted in ClinVar's aggregate classification.
Comment: This variant is classified as likely benign based on ACMG/AMP sequence variant interpretation guidelines (Richards et al. 2015 PMID: 25741868, with internal and published modifications).